The following is an entry in ClinVar:

NM_152384.3(BBS5):c.896T>C (p.Phe299Ser)

Gene: BBS5 (Bardet-Biedl syndrome 5; plus strand). Cytogenetic location: 2q31.1.
Variant type: single nucleotide variant.
Coding change: c.896T>C on transcript NM_152384.3 (MANE Select); coding-DNA position 896, T replaced by C.
Protein change: p.Phe299Ser; replaces phenylalanine 299 with serine.
Molecular consequence: missense variant.
Genome position (GRCh38, 1-based): chr2:169,503,174, T>C. VCF-style: chr2-169503174-T-C. GRCh37 (hg19) VCF-style: chr2-170359684-T-C.
Other names: c.896T>C (NM_152384.2); short protein forms F299S.
Identifiers: ClinVar variation 1986638 (VCV001986638.6), dbSNP rs947557582, ClinGen allele CA349168930.

ClinVar aggregate classification (germline): Uncertain significance. Review status: criteria provided, multiple submitters, no conflicts (2 of 4 stars). 3 submissions from 3 submitters: Uncertain significance (3). Last evaluated 2024-10-24.

Conditions:
BBS5-related disorder. Also called: BBS5-related condition.
Inborn genetic diseases. Identifiers: MedGen C0950123, MeSH D030342.
Bardet-Biedl syndrome (BBS). Identifiers: Orphanet 110, MedGen C0752166, MONDO:0015229.

gnomAD v4.1: 5 of 1,610,426 alleles (0.00031%); highest among the groups gnomAD compares: South Asian, 0.0011%; no homozygotes.

Submissions (3):

PreventionGenetics, part of Exact Sciences
Classification: Uncertain significance for BBS5-related condition. Last evaluated: 2024-10-24. Review status: criteria provided, single submitter. Criteria: ACMG Guidelines, 2015. Collection method: clinical testing. Allele origin: germline.
Comment: The BBS5 c.896T>C variant is predicted to result in the amino acid substitution p.Phe299Ser. To our knowledge, this variant has not been reported in the literature. This variant is reported in 0.00088% of alleles in individuals of European (Non-Finnish) descent in gnomAD. At this time, the clinical significance of this variant is uncertain due to the absence of conclusive functional and genetic evidence.

Ambry Genetics
Classification: Uncertain significance for Inborn genetic diseases. Last evaluated: 2024-10-19. Review status: criteria provided, single submitter. Criteria: Ambry Variant Classification Scheme 2023. Collection method: clinical testing. Allele origin: germline.

Labcorp Genetics (formerly Invitae), Labcorp
Classification: Uncertain significance for Bardet-Biedl syndrome. Last evaluated: 2022-08-17. Review status: criteria provided, single submitter. Criteria: Invitae Variant Classification Sherloc (09022015). Collection method: clinical testing. Allele origin: germline.
Comment: This sequence change replaces phenylalanine, which is neutral and non-polar, with serine, which is neutral and polar, at codon 299 of the BBS5 protein (p.Phe299Ser). In summary, the available evidence is currently insufficient to determine the role of this variant in disease. Therefore, it has been classified as a Variant of Uncertain Significance. Algorithms developed to predict the effect of missense changes on protein structure and function (SIFT, PolyPhen-2, Align-GVGD) all suggest that this variant is likely to be disruptive. This variant has not been reported in the literature in individuals affected with BBS5-related conditions. This variant is present in population databases (no rsID available, gnomAD 0.0009%).